The following is an entry in ClinVar:

ClinVar aggregate classification (germline): Uncertain significance (1 of 4 stars; one submission).

Conditions:
Charcot-Marie-Tooth disease axonal type 2O. Also called: Charcot-Marie-Tooth disease, axonal, type 20; CHARCOT-MARIE-TOOTH NEUROPATHY, AXONAL, TYPE 2O; CHARCOT-MARIE-TOOTH DISEASE, AXONAL, AUTOSOMAL DOMINANT, TYPE 2O; Charcot-Marie-Tooth Neuropathy Type 2O. Identifiers: Orphanet 284232, MedGen C3280220, MONDO:0013644, OMIM 614228.

Submission:

Labcorp Genetics (formerly Invitae), Labcorp
Classification: Uncertain significance for Charcot-Marie-Tooth disease axonal type 2O. Last evaluated: 2024-12-15. Review status: criteria provided, single submitter. Criteria: Invitae Variant Classification Sherloc (09022015). Collection method: clinical testing. Allele origin: germline.
Comment: This sequence change replaces cysteine, which is neutral and slightly polar, with glycine, which is neutral and non-polar, at codon 978 of the DYNC1H1 protein (p.Cys978Gly). This variant is not present in population databases (gnomAD no frequency). This variant has not been reported in the literature in individuals affected with DYNC1H1-related conditions. Invitae Evidence Modeling of protein sequence and biophysical properties (such as structural, functional, and spatial information, amino acid conservation, physicochemical variation, residue mobility, and thermodynamic stability) indicates that this missense variant is not expected to disrupt DYNC1H1 protein function with a negative predictive value of 95%. In summary, the available evidence is currently insufficient to determine the role of this variant in disease. Therefore, it has been classified as a Variant of Uncertain Significance.

NM_001376.5(DYNC1H1):c.2932T>G (p.Cys978Gly)

Genes: DYNC1H1 (dynein cytoplasmic 1 heavy chain 1; plus strand), LOC130056502 (ATAC-STARR-seq lymphoblastoid active region 9063; plus strand). Cytogenetic location: 14q32.31.
Variant type: single nucleotide variant.
Coding change: c.2932T>G on transcript NM_001376.5 (MANE Select); coding-DNA position 2932, T replaced by G.
Protein change: p.Cys978Gly; replaces cysteine 978 with glycine.
Molecular consequence: missense variant.
Genome position (GRCh38, 1-based): chr14:101,991,590, T>G. VCF-style: chr14-101991590-T-G. GRCh37 (hg19) VCF-style: chr14-102457927-T-G.
Other names: short protein forms C978G.
Identifiers: ClinVar variation 3636128 (VCV003636128.2).
Genomic context (GRCh38, chr14:101,991,590, plus strand): 5'-GTCGTTCATGAGCTAAGAATAACCAATCAGGTAATCTACTTGAATCCACCAATTGAAGAG[T>G]GCAGATACAAGCTGTATCAGGAAATGTTTGCCTGGAAGATGGTTGTACTGTCTCTCCCCA-3'
Protein context (NP_001367.2, residues 968-988): VIYLNPPIEE[Cys978Gly]RYKLYQEMFA